The following is an entry in ClinVar:

ClinVar aggregate classification (germline): Uncertain significance. Review status: criteria provided, multiple submitters, no conflicts (2 of 4 stars). 2 submissions from 2 submitters: Uncertain significance (2). Last evaluated 2022-10-05.

Allele frequency attached by ClinVar (database versions not stated): ExAC 0.00002; gnomAD exomes 0.00002 and 0.00004; TOPMed 0.00002; gnomAD 0.00005; ESP Exome Variant Server 0.00008.
gnomAD v4.1: 68 of 1,611,456 alleles (0.0042%); highest among the groups gnomAD compares: Non-Finnish European, 0.0055%; no homozygotes.

Submissions (2):

Labcorp Genetics (formerly Invitae), Labcorp
Classification: Uncertain significance. Last evaluated: 2022-10-05. Review status: criteria provided, single submitter. Criteria: Invitae Variant Classification Sherloc (09022015). Collection method: clinical testing. Allele origin: germline.
Comment: This sequence change replaces glutamine, which is neutral and polar, with glutamic acid, which is acidic and polar, at codon 920 of the CEP250 protein (p.Gln920Glu). This variant is present in population databases (rs370665462, gnomAD 0.006%). This variant has not been reported in the literature in individuals affected with CEP250-related conditions. ClinVar contains an entry for this variant (Variation ID: 1037692). Algorithms developed to predict the effect of missense changes on protein structure and function are either unavailable or do not agree on the potential impact of this missense change (SIFT: "Not Available"; PolyPhen-2: "Benign"; Align-GVGD: "Not Available"). In summary, the available evidence is currently insufficient to determine the role of this variant in disease. Therefore, it has been classified as a Variant of Uncertain Significance.

Ambry Genetics
Classification: Uncertain significance. Last evaluated: 2022-01-04. Review status: criteria provided, single submitter. Criteria: Ambry Variant Classification Scheme 2023. Collection method: clinical testing. Allele origin: germline.

NM_007186.6(CEP250):c.2758C>G (p.Gln920Glu)

Gene: CEP250 (centrosomal protein 250; plus strand). Cytogenetic location: 20q11.22.
Variant type: single nucleotide variant.
Coding change: c.2758C>G on transcript NM_007186.6 (MANE Select); coding-DNA position 2758, C replaced by G.
Protein change: p.Gln920Glu; replaces glutamine 920 with glutamic acid.
Molecular consequence: missense variant.
Genome position (GRCh38, 1-based): chr20:35,491,215, C>G. VCF-style: chr20-35491215-C-G. GRCh37 (hg19) VCF-style: chr20-34079041-C-G.
Other names: c.862C>G, p.Gln288Glu (NM_001318219.1); c.2758C>G (NM_007186.3); short protein forms Q288E, Q920E.
Identifiers: ClinVar variation 1037692 (VCV001037692.6), dbSNP rs370665462, ClinGen allele CA9833286.
Genomic context (GRCh38, chr20:35,491,215, plus strand): 5'-GTTGGTGAGCATGGTAATCCTGAGCCCACAAGCTGTTACCCCCCTACCCCTCCACAGATG[C>G]AGCTGGAAACAGAGAAGGAGAGAGTATCCCTCCTGGAGACACTGCTGCAGACGCAGAAGG-3'
Protein context (NP_009117.2, residues 910-930): TQAESALCQM[Gln920Glu]LETEKERVSL